The following is an entry in ClinVar:

ClinVar aggregate classification (germline): Uncertain significance (1 of 4 stars; one submission).

Conditions:
Hereditary breast ovarian cancer syndrome. Also called: Hereditary breast and ovarian cancer syndrome (HBOC); Breast and ovarian cancer; Hereditary breast and ovarian cancer; Hereditary breast and ovarian cancer syndrome; BRCA1- and BRCA2-Associated Hereditary Breast and Ovarian Cancer; Hereditary breast and/or ovarian cancer syndrome. Identifiers: Orphanet 145, MedGen C0677776, MeSH D061325, MONDO:0003582. Disease mechanism: loss of function.

Submission:

Labcorp Genetics (formerly Invitae), Labcorp
Classification: Uncertain significance for Hereditary breast ovarian cancer syndrome. Last evaluated: 2023-11-05. Review status: criteria provided, single submitter. Criteria: Invitae Variant Classification Sherloc (09022015). Collection method: clinical testing. Allele origin: germline.
Comment: This sequence change replaces isoleucine, which is neutral and non-polar, with leucine, which is neutral and non-polar, at codon 3207 of the BRCA2 protein (p.Ile3207Leu). This variant is not present in population databases (gnomAD no frequency). This variant has not been reported in the literature in individuals affected with BRCA2-related conditions. Advanced modeling of protein sequence and biophysical properties (such as structural, functional, and spatial information, amino acid conservation, physicochemical variation, residue mobility, and thermodynamic stability) performed at Invitae indicates that this missense variant is not expected to disrupt BRCA2 protein function with a negative predictive value of 95%. In summary, the available evidence is currently insufficient to determine the role of this variant in disease. Therefore, it has been classified as a Variant of Uncertain Significance.

NM_000059.4(BRCA2):c.9619A>C (p.Ile3207Leu)

Gene: BRCA2 (BRCA2 DNA repair associated; plus strand). Cytogenetic location: 13q13.1.
Variant type: single nucleotide variant.
Coding change: c.9619A>C on transcript NM_000059.4 (MANE Select); coding-DNA position 9619, A replaced by C.
Protein change: p.Ile3207Leu; replaces isoleucine 3207 with leucine.
Molecular consequence: missense variant. On other transcripts: non-coding transcript variant (1).
Genome position (GRCh38, 1-based): chr13:32,397,015, A>C. VCF-style: chr13-32397015-A-C. GRCh37 (hg19) VCF-style: chr13-32971152-A-C.
Other names: c.9523A>C, p.Ile3175Leu (NM_001406719.1); c.9568A>C, p.Ile3190Leu (NM_001406720.1); c.4687A>C, p.Ile1563Leu (NM_001406721.1); c.3202A>C, p.Ile1068Leu (NM_001406722.1); short protein forms I1068L, I1563L, I3207L, I3175L, I3190L.
Identifiers: ClinVar variation 2693384 (VCV002693384.3), dbSNP rs1057520802, ClinGen allele CA387763684.